The following is an entry in ClinVar:

NM_024577.4(SH3TC2):c.191G>A (p.Arg64Lys)

Gene: SH3TC2 (SH3 domain and tetratricopeptide repeats 2; minus strand). Cytogenetic location: 5q32.
Variant type: single nucleotide variant.
Coding change: c.191G>A on transcript NM_024577.4 (MANE Select); coding-DNA position 191, G replaced by A.
Protein change: p.Arg64Lys; replaces arginine 64 with lysine.
Molecular consequence: missense variant.
Genome position (GRCh38, 1-based): chr5:149,047,950, C>T on the plus strand (G>A on the coding strand, the complement: SH3TC2 is on the minus strand). VCF-style: chr5-149047950-C-T. GRCh37 (hg19) VCF-style: chr5-148427513-C-T.
Other names: short protein forms R64K.
Identifiers: ClinVar variation 1782642 (VCV001782642.8), dbSNP rs1449599353, ClinGen allele CA361679302.

ClinVar aggregate classification (germline): Uncertain significance. Review status: criteria provided, multiple submitters, no conflicts (2 of 4 stars). 2 submissions from 2 submitters: Uncertain significance (2). Last evaluated 2025-03-20.

Conditions:
Inborn genetic diseases. Identifiers: MedGen C0950123, MeSH D030342.
Charcot-Marie-Tooth disease type 4. Also called: Charcot-Marie-Tooth, Type 4; Charcot-Marie-Tooth disease, type IV. Identifiers: Orphanet 64749, MedGen C4082197, MONDO:0018995.

Allele frequency attached by ClinVar (database versions not stated): gnomAD exomes below 0.00001; TOPMed 0.00002.
gnomAD v4.1: 2 of 1,614,156 alleles (0.00012%); no homozygotes.

Submissions (2):

Ambry Genetics
Classification: Uncertain significance for Inborn genetic diseases. Last evaluated: 2025-03-20. Review status: criteria provided, single submitter. Criteria: Ambry Variant Classification Scheme 2023. Collection method: clinical testing. Allele origin: germline.

Labcorp Genetics (formerly Invitae), Labcorp
Classification: Uncertain significance for Charcot-Marie-Tooth disease type 4. Last evaluated: 2022-07-13. Review status: criteria provided, single submitter. Criteria: Invitae Variant Classification Sherloc (09022015). Collection method: clinical testing. Allele origin: germline.
Comment: In summary, the available evidence is currently insufficient to determine the role of this variant in disease. Therefore, it has been classified as a Variant of Uncertain Significance. Algorithms developed to predict the effect of missense changes on protein structure and function output the following: SIFT: "Tolerated"; PolyPhen-2: "Benign"; Align-GVGD: "Class C0". The lysine amino acid residue is found in multiple mammalian species, which suggests that this missense change does not adversely affect protein function. This variant has not been reported in the literature in individuals affected with SH3TC2-related conditions. This variant is present in population databases (no rsID available, gnomAD 0.004%). This sequence change replaces arginine, which is basic and polar, with lysine, which is basic and polar, at codon 64 of the SH3TC2 protein (p.Arg64Lys).